The following is an entry in ClinVar:

NM_201596.3(CACNB2):c.804+957_804+960del

Gene: CACNB2 (calcium voltage-gated channel auxiliary subunit beta 2; plus strand). Cytogenetic location: 10p12.31.
Variant type: Deletion.
Coding change: c.804+957_804+960del on transcript NM_201596.3 (MANE Select); bases 957 to 960 of the intron after coding-DNA position 804, 4 bases deleted (CTTT; older notation c.804+957_804+960delCTTT).
Molecular consequence: intron variant.
Genome position (GRCh38, 1-based): chr10:18,515,326-18,515,329, CTTT deleted. VCF-style (leftmost placement, unchanged base first): chr10-18515325-CCTTT-C. GRCh37 (hg19) VCF-style: chr10-18804254-CCTTT-C.
Other names: c.720+957_720+960del (NM_201571.4); c.606+796_606+799del (NM_001167945.2); c.648+285_648+288del (NM_201572.4); c.690+796_690+799del (NM_201593.3); c.732+285_732+288del (NM_201597.3); c.639+957_639+960del (NM_000724.4); c.525+796_525+799del (NM_001330060.2); c.642+957_642+960del (NM_201590.3); and 1 more.
Identifiers: ClinVar variation 668820 (VCV000668820.1), dbSNP rs143534544, ClinGen allele CA203228576.
Genomic context (GRCh38, chr10:18,515,325, plus strand): 5'-ACCCATTTTGTAGCTTTAAAGCATTATTTTTTAAGGACCACTAACCTCCCCCCAAATTTC[CCTTT>C]TTTTCCCCTCTTTTACCCATCAGTTTCCACAGCTACCATGCTGTCTTTTAGAATCATACT-3'

ClinVar aggregate classification (germline): Benign (1 of 4 stars; one submission).

Allele frequency attached by ClinVar (database versions not stated): gnomAD 0.19096 and 0.19415; TOPMed 0.19425; 1000 Genomes Project 0.22524; 1000 Genomes Project 30x 0.22689.

Submission:

GeneDx
Classification: Benign. Last evaluated: 2018-06-19. Review status: criteria provided, single submitter. Criteria: GeneDx Variant Classification (06012015). Collection method: clinical testing. Allele origin: germline. Affected: yes.
Comment: This variant is considered likely benign or benign based on one or more of the following criteria: it is a conservative change, it occurs at a poorly conserved position in the protein, it is predicted to be benign by multiple in silico algorithms, and/or has population frequency not consistent with disease.